The following is an entry in ClinVar:

NM_007078.3(LDB3):c.1139C>T (p.Thr380Ile)

Gene: LDB3 (LIM domain binding 3; plus strand). Cytogenetic location: 10q23.2.
Variant type: single nucleotide variant.
Coding change: c.1139C>T on transcript NM_007078.3 (MANE Select); coding-DNA position 1139, C replaced by T.
Protein change: p.Thr380Ile; replaces threonine 380 with isoleucine.
Molecular consequence: missense variant.
Genome position (GRCh38, 1-based): chr10:86,709,958, C>T. VCF-style: chr10-86709958-C-T. GRCh37 (hg19) VCF-style: chr10-88469715-C-T.
Other names: c.809C>T, p.Thr270Ile (NM_001080114.2); c.1154C>T, p.Thr385Ile (NM_001171610.2); c.950C>T, p.Thr317Ile (NM_001368064.1, NM_001368065.1); c.998C>T, p.Thr333Ile (NM_001368066.1); short protein forms T385I, T270I, T333I, T317I, T380I.
Identifiers: ClinVar variation 3866770 (VCV003866770.1).
Genomic context (GRCh38, chr10:86,709,958, plus strand): 5'-GTTCCAGGCCCCAGGCCTCTTCCTACAGCCCCGCAGTGGCCGCCTCTTCAGCACCTGCCA[C>T]CCACACCAGCTACAGTGAGGGCCCCGCCGCCCCTGCACCCAAGCCCCGGGTTGTCACCAC-3'
Protein context (NP_009009.1, residues 370-390): PAVAASSAPA[Thr380Ile]HTSYSEGPAA

ClinVar aggregate classification (germline): Uncertain significance (1 of 4 stars; one submission).

Conditions:
Cardiovascular phenotype. Identifiers: MedGen CN230736.

gnomAD v4.1: 1 of 1,613,062 alleles (0.000062%); highest among the groups gnomAD compares: African/African-American, 0.0013%; no homozygotes.

Submission:

Ambry Genetics
Classification: Uncertain significance for Cardiovascular phenotype. Last evaluated: 2025-01-13. Review status: criteria provided, single submitter. Criteria: Ambry Variant Classification Scheme 2023. Collection method: clinical testing. Allele origin: germline.
Comment: The p.T380I variant (also known as c.1139C>T), located in coding exon 8 of the LDB3 gene, results from a C to T substitution at nucleotide position 1139. The threonine at codon 380 is replaced by isoleucine, an amino acid with similar properties. This amino acid position is conserved. In addition, this alteration is predicted to be tolerated by in silico analysis. Based on the available evidence, the clinical significance of this variant remains unclear.